The following is an entry in ClinVar:

ClinVar aggregate classification (germline): Benign/Likely benign. Review status: criteria provided, multiple submitters, no conflicts (2 of 4 stars). 17 submissions from 17 submitters: Benign (13); Likely benign (1). 3 of the submissions do not count toward it. Last evaluated 2026-02-04.

Conditions:
Cardiovascular phenotype. Identifiers: MedGen CN230736.
Cardiac arrhythmia. Also called: Cardiac rhythm disease; Arrhythmia. Identifiers: MedGen C0003811, MONDO:0007263, HP:0011675.
Long QT syndrome (LQTS). Identifiers: MedGen C0023976, MeSH D008133, MONDO:0002442. Disease mechanism: loss of function. Inheritance: Various modes of inheritance.
Long QT syndrome 2 (LQT2). Identifiers: Orphanet 101016, Orphanet 768, MedGen C3150943, MONDO:0013367, OMIM 613688.

Allele frequency attached by ClinVar (database versions not stated): ESP Exome Variant Server 0.23020; TOPMed 0.27159; 1000 Genomes Project 30x 0.33479; 1000 Genomes Project 0.34265.
gnomAD v4.1: 397,097 of 1,613,896 alleles (25%); highest among the groups gnomAD compares: East Asian, 67%; 55,477 homozygotes.

Submissions (17):

Labcorp Genetics (formerly Invitae), Labcorp
Classification: Benign for Long QT syndrome. Last evaluated: 2026-02-04. Review status: criteria provided, single submitter. Criteria: Invitae Variant Classification Sherloc (09022015). Collection method: clinical testing. Allele origin: germline.

ARUP Laboratories, Molecular Genetics and Genomics, ARUP Laboratories
Classification: Benign. Last evaluated: 2025-07-23. Review status: criteria provided, single submitter. Criteria: ARUP Molecular Germline Variant Investigation Process 2024. Collection method: clinical testing. Allele origin: germline.

Blueprint Genetics
Classification: Likely benign. Last evaluated: 2024-11-27. Review status: criteria provided, single submitter. Criteria: ACMG Guidelines, 2015. Collection method: clinical testing. Allele origin: germline.

All of Us Research Program, National Institutes of Health
Classification: Benign for Long QT syndrome. Last evaluated: 2024-10-01. Review status: criteria provided, single submitter. Criteria: ACMG Guidelines, 2015. Collection method: clinical testing. Allele origin: germline. Inheritance: Autosomal dominant inheritance. Observed: 62,711 variant alleles, 52,413 heterozygotes, 10,282 homozygotes, 16 hemizygotes.
Comment: This study involves interpretation of variants in research participants for the purpose of population health screening. Participant phenotype was not available at the time of variant classification. Additional details can be found in publication PMID: 35346344, PMCID: PMC8962531

Genome-Nilou Lab
Classification: Benign for Long QT syndrome 2. Last evaluated: 2021-08-19. Review status: criteria provided, single submitter. Criteria: ACMG Guidelines, 2015. Collection method: clinical testing. Allele origin: germline. Affected: no.

Molecular Diagnostic Laboratory for Inherited Cardiovascular Disease, Montreal Heart Institute
Classification: Benign. Last evaluated: 2020-02-19. Review status: criteria provided, single submitter. Criteria: ACMG Guidelines, 2015. Collection method: clinical testing. Allele origin: germline. Affected: yes.

Color Diagnostics, LLC DBA Color Health
Classification: Benign for Arrhythmia. Last evaluated: 2018-03-16. Review status: criteria provided, single submitter. Criteria: ACMG Guidelines, 2015. Collection method: clinical testing. Allele origin: germline.

Illumina Laboratory Services, Illumina
Classification: Benign for Long QT syndrome 2. Last evaluated: 2018-01-13. Review status: criteria provided, single submitter. Criteria: ICSL Variant Classification Criteria 13 December 2019. Collection method: clinical testing. Allele origin: germline.
Comment: This variant was observed in the ICSL laboratory as part of a predisposition screen in an ostensibly healthy population. It had not been previously curated by ICSL or reported in the Human Gene Mutation Database (HGMD: prior to June 1st, 2018), and was therefore a candidate for classification through an automated scoring system. Utilizing variant allele frequency, disease prevalence and penetrance estimates, and inheritance mode, an automated score was calculated to assess if this variant is too frequent to cause the disease. Based on the score and internal cut-off values, a variant classified as benign is not then subjected to further curation. The score for this variant resulted in a classification of benign for this disease.

Laboratory for Molecular Medicine, Mass General Brigham Personalized Medicine
Classification: Benign. Last evaluated: 2016-12-27. Review status: criteria provided, single submitter. Criteria: LMM Criteria. Collection method: clinical testing. Allele origin: germline. Observed: 2 variant alleles.
Comment: Ile489Ile in exon 6 of KCNH2: This variant is not expected to have clinical sign ificance because it does not alter an amino acid residue and is not located with in the splice consensus sequence. It has been identified in 26.3% (1158/4406) of African American chromosomes from a broad population by the NHLBI Exome Sequenc ing Project (dbSNP rs740952).

Ambry Genetics
Classification: Benign for Cardiovascular phenotype. Last evaluated: 2015-03-09. Review status: criteria provided, single submitter. Criteria: Ambry Autosomal Dominant and X-Linked criteria (10/2015). Collection method: clinical testing. Allele origin: germline. Observed: 1 variant allele.
Comment: General population or subpopulation frequency is too high to be a pathogenic mutation based on disease/syndrome prevalence and penetrance;Seen in trans with a mutation or in homozygous state in individual without severe disease for that gene

GeneDx
Classification: Benign. Last evaluated: 2015-03-03. Review status: criteria provided, single submitter. Criteria: GeneDx Variant Classification Process June 2021. Collection method: clinical testing. Allele origin: germline. Affected: yes.

Mayo Clinic Laboratories, Mayo Clinic
Classification: Benign. Last evaluated: 2014-12-11. Review status: criteria provided, single submitter. Criteria: ACMG Guidelines, 2015. Collection method: clinical testing. Allele origin: germline. Observed: 629 variant alleles.

Breakthrough Genomics
Classification: Benign. Review status: criteria provided, single submitter. Criteria: ACMG Guidelines, 2015. Collection method: not provided. Allele origin: germline. Inheritance: Autosomal dominant inheritance. Affected: yes.

PreventionGenetics, part of Exact Sciences
Classification: Benign. Review status: criteria provided, single submitter. Criteria: ACMG Guidelines, 2015. Collection method: clinical testing. Allele origin: germline.

Cohesion Phenomics
Classification: Benign for Long QT syndrome. Last evaluated: 2022-09-23. Review status: no assertion criteria provided. Criteria: ACMG Guidelines, 2015. Collection method: clinical testing. Allele origin: germline. Affected: yes. Not counted in ClinVar's aggregate classification.

Clinical Genetics, Academic Medical Center
Classification: Benign. Review status: no assertion criteria provided. Collection method: clinical testing. Allele origin: germline. Affected: yes. Study: VKGL Data-share Consensus. Not counted in ClinVar's aggregate classification.

Joint Genome Diagnostic Labs from Nijmegen and Maastricht, Radboudumc and MUMC+
Classification: Benign. Review status: no assertion criteria provided. Collection method: clinical testing. Allele origin: germline. Affected: yes. Study: VKGL Data-share Consensus. Not counted in ClinVar's aggregate classification.

NM_000238.4(KCNH2):c.1467C>T (p.Ile489=)

Gene: KCNH2 (potassium voltage-gated channel subfamily H member 2; minus strand). Cytogenetic location: 7q36.1.
Variant type: single nucleotide variant.
Coding change: c.1467C>T on transcript NM_000238.4 (MANE Select); coding-DNA position 1467, C replaced by T.
Protein change: p.Ile489=; no amino-acid change (isoleucine 489 retained).
Molecular consequence: synonymous variant. On other transcripts: non-coding transcript variant (2).
Genome position (GRCh38, 1-based): chr7:150,952,515, G>A on the plus strand (C>T on the coding strand, the complement: KCNH2 is on the minus strand). VCF-style: chr7-150952515-G-A. GRCh37 (hg19) VCF-style: chr7-150649603-G-A.
Other names: p.Ile489=; c.1467C>T (NM_000238.2); c.447C>T, p.Ile149= (NM_001204798.2, NM_172057.3); c.1179C>T, p.Ile393= (NM_001406753.1, NM_001406756.1); c.1290C>T, p.Ile430= (NM_001406755.1); c.1167C>T, p.Ile389= (NM_001406757.1); c.1467C>T, p.Ile489= (NM_172056.3).
Identifiers: ClinVar variation 255614 (VCV000255614.53), dbSNP rs740952, ClinGen allele CA028134.